The following is an entry in ClinVar:

ClinVar aggregate classification (germline): Uncertain significance (1 of 4 stars; one submission).

Conditions:
Charcot-Marie-Tooth disease axonal type 2O. Also called: CHARCOT-MARIE-TOOTH NEUROPATHY, AXONAL, TYPE 2O; CHARCOT-MARIE-TOOTH DISEASE, AXONAL, AUTOSOMAL DOMINANT, TYPE 2O; Charcot-Marie-Tooth Neuropathy Type 2O; Charcot-Marie-Tooth disease, axonal, type 20. Identifiers: Orphanet 284232, MedGen C3280220, MONDO:0013644, OMIM 614228.

Allele frequency attached by ClinVar (database versions not stated): gnomAD exomes below 0.00001; ExAC 0.00001; ESP Exome Variant Server 0.00008.

Submission:

Labcorp Genetics (formerly Invitae), Labcorp
Classification: Uncertain significance for Charcot-Marie-Tooth disease axonal type 2O. Last evaluated: 2025-02-17. Review status: criteria provided, single submitter. Criteria: Invitae Variant Classification Sherloc (09022015). Collection method: clinical testing. Allele origin: germline.
Comment: This sequence change replaces arginine, which is basic and polar, with glutamine, which is neutral and polar, at codon 1943 of the DYNC1H1 protein (p.Arg1943Gln). This variant is present in population databases (rs372377918, gnomAD 0.0009%). This variant has not been reported in the literature in individuals affected with DYNC1H1-related conditions. ClinVar contains an entry for this variant (Variation ID: 1446993). Invitae Evidence Modeling of protein sequence and biophysical properties (such as structural, functional, and spatial information, amino acid conservation, physicochemical variation, residue mobility, and thermodynamic stability) has been performed for this missense variant. However, the output from this modeling did not meet the statistical confidence thresholds required to predict the impact of this variant on DYNC1H1 protein function. In summary, the available evidence is currently insufficient to determine the role of this variant in disease. Therefore, it has been classified as a Variant of Uncertain Significance.

NM_001376.5(DYNC1H1):c.5828G>A (p.Arg1943Gln)

Gene: DYNC1H1 (dynein cytoplasmic 1 heavy chain 1; plus strand). Cytogenetic location: 14q32.31.
Variant type: single nucleotide variant.
Coding change: c.5828G>A on transcript NM_001376.5 (MANE Select); coding-DNA position 5828, G replaced by A.
Protein change: p.Arg1943Gln; replaces arginine 1943 with glutamine.
Molecular consequence: missense variant.
Genome position (GRCh38, 1-based): chr14:102,008,188, G>A. VCF-style: chr14-102008188-G-A. GRCh37 (hg19) VCF-style: chr14-102474525-G-A.
Other names: short protein forms R1943Q.
Identifiers: ClinVar variation 1446993 (VCV001446993.6), dbSNP rs372377918, ClinGen allele CA7352500.